The following is an entry in ClinVar:

GRCh38/hg38 15q26.2-26.3(chr15:94033008-101843270)x3

Genes: ADAMTS17 (ADAM metallopeptidase with thrombospondin type 1 motif 17; minus strand), ALDH1A3 (aldehyde dehydrogenase 1 family member A3; plus strand), ALDH1A3-AS1 (ALDH1A3 antisense RNA 1; minus strand), ARRDC4 (arrestin domain containing 4; plus strand), ASB7 (ankyrin repeat and SOCS box containing 7; plus strand) and 218 more. Cytogenetic location: 15q26.2-26.3.
Variant type: copy number gain.
Change: copy number 3 (three copies instead of two) of chr15:94,033,008-101,843,270 (7.81 Mb, GRCh38 coordinates, 1-based), cytogenetic band 15q26.2-26.3.
Identifiers: ClinVar variation 57195 (VCV000057195.1).

ClinVar aggregate classification (germline): Pathogenic (1 of 4 stars; one submission).

Submission:

ISCA site 4
Classification: Pathogenic. Last evaluated: 2011-08-12. Review status: criteria provided, single submitter. Criteria: Kaminsky et al. (Genet Med. 2011). Collection method: clinical testing. Allele origin: unknown. Affected: yes. Observed: 1 variant allele.
Comment: Copy number variation identified through the course of routine clinical cytogenomic testing in postnatal populations. Clinical assertions have been curated as described in Kaminsky et al. 2011.